The following is an entry in ClinVar:

ClinVar aggregate classification (germline): Uncertain significance (1 of 4 stars; one submission).

Submission:

Genetic Services Laboratory, University of Chicago
Classification: Uncertain significance. Last evaluated: 2025-05-19. Review status: criteria provided, single submitter. Criteria: ACMG Guidelines, 2015. Collection method: clinical testing. Allele origin: germline.
Comment: The c.412G>T variant: Results in an amino acid change, p.Val138Leu. Has been previously described in an individual with RPS19-related disorders (PMID: 28280134). Is reported in the gnomAD v4 database with a frequency of 0.003% in the African/African American subpopulation (dbSNP rs1555841995). Affects a highly conserved amino acid residue located in a domain of the RPS19 protein that is known to be functional. Appears to be benign using several in-silico pathogenicity prediction tools. ClinVar does not contain an entry for this variant. Due to insufficient evidence and the lack of functional studies, the clinical significance of the p.Val138Leu variant remains unknown at this time.

NM_001022.4(RPS19):c.412G>T (p.Val138Leu)

Genes: RPS19 (ribosomal protein S19; plus strand), RPS19-CD79A (RPS19-CD79A readthrough; plus strand). Cytogenetic location: 19q13.2.
Variant type: single nucleotide variant.
Coding change: c.412G>T on transcript NM_001022.4 (MANE Select); coding-DNA position 412, G replaced by T.
Protein change: p.Val138Leu; replaces valine 138 with leucine.
Molecular consequence: missense variant.
Genome position (GRCh38, 1-based): chr19:41,871,351, G>T. VCF-style: chr19-41871351-G-T. GRCh37 (hg19) VCF-style: chr19-42375419-G-T.
Other names: c.412G>T, p.Val138Leu (NM_001321483.2, NM_001321484.2); c.425G>T, p.Gly142Val (NM_001321485.2); short protein forms G142V, V138L.
Identifiers: ClinVar variation 5010249 (VCV005010249.1).